The following is an entry in ClinVar:

ClinVar aggregate classification (germline): Benign/Likely benign. Review status: criteria provided, multiple submitters, no conflicts (2 of 4 stars). 3 submissions from 3 submitters: Benign (2); Likely benign (1). Last evaluated 2018-05-17.

Conditions:
Ehlers-Danlos syndrome, classic type, 2 (EDSCL2). Also called: Ehlers-Danlos syndrome, type 2; Ehlers-Danlos syndrome type 2 (formerly); Ehlers-Danlos Syndrome, Classic Type, COL5A2-Related. Identifiers: Orphanet 287, Orphanet 90318, MedGen C0268336, MONDO:0019568, OMIM 130010.

Allele frequency attached by ClinVar (database versions not stated): gnomAD exomes 0.00165 and 0.00336; ExAC 0.00168; gnomAD 0.00184 and 0.00192; TOPMed 0.00213; ESP Exome Variant Server 0.00269; 1000 Genomes Project 30x 0.00031; 1000 Genomes Project 0.00040.
gnomAD v4.1: 4,946 of 1,562,326 alleles (0.32%); highest among the groups gnomAD compares: Non-Finnish European, 0.4%; 17 homozygotes.

Submissions (3):

Blueprint Genetics
Classification: Likely benign. Last evaluated: 2018-05-17. Review status: criteria provided, single submitter. Criteria: ACMG Guidelines, 2015. Collection method: clinical testing. Allele origin: germline.

Illumina Laboratory Services, Illumina
Classification: Benign for Ehlers-Danlos syndrome, classic type, 2. Last evaluated: 2018-01-12. Review status: criteria provided, single submitter. Criteria: ICSL Variant Classification Criteria 13 December 2019. Collection method: clinical testing. Allele origin: germline.
Comment: This variant was observed in the ICSL laboratory as part of a predisposition screen in an ostensibly healthy population. It had not been previously curated by ICSL or reported in the Human Gene Mutation Database (HGMD: prior to June 1st, 2018), and was therefore a candidate for classification through an automated scoring system. Utilizing variant allele frequency, disease prevalence and penetrance estimates, and inheritance mode, an automated score was calculated to assess if this variant is too frequent to cause the disease. Based on the score and internal cut-off values, a variant classified as benign is not then subjected to further curation. The score for this variant resulted in a classification of benign for this disease.

GeneDx
Classification: Benign. Last evaluated: 2013-08-16. Review status: criteria provided, single submitter. Criteria: GeneDx Variant Classification (06012015). Collection method: clinical testing. Allele origin: germline. Affected: yes.
Comment: This variant is considered likely benign or benign based on one or more of the following criteria: it is a conservative change, it occurs at a poorly conserved position in the protein, it is predicted to be benign by multiple in silico algorithms, and/or has population frequency not consistent with disease.

NM_000393.5(COL5A2):c.-50C>T

Gene: COL5A2 (collagen type V alpha 2 chain; minus strand). Cytogenetic location: 2q32.2.
Variant type: single nucleotide variant.
Coding change: c.-50C>T on transcript NM_000393.5 (MANE Select); 50 bases upstream of the start codon, C replaced by T.
Molecular consequence: 5 prime UTR variant.
Genome position (GRCh38, 1-based): chr2:189,179,654, G>A on the plus strand (C>T on the coding strand, the complement: COL5A2 is on the minus strand). VCF-style: chr2-189179654-G-A. GRCh37 (hg19) VCF-style: chr2-190044380-G-A.
Identifiers: ClinVar variation 136966 (VCV000136966.7), dbSNP rs183260194, ClinGen allele CA290414.